The following is an entry in ClinVar:

NM_000535.7(PMS2):c.574T>G (p.Cys192Gly)

Gene: PMS2 (PMS1 homolog 2, mismatch repair system component; minus strand). Cytogenetic location: 7p22.1.
Variant type: single nucleotide variant.
Coding change: c.574T>G on transcript NM_000535.7 (MANE Select); coding-DNA position 574, T replaced by G.
Protein change: p.Cys192Gly; replaces cysteine 192 with glycine.
Molecular consequence: missense variant. On other transcripts: non-coding transcript variant (1), intron variant (3).
Genome position (GRCh38, 1-based): chr7:5,999,239, A>C on the plus strand (T>G on the coding strand, the complement: PMS2 is on the minus strand). VCF-style: chr7-5999239-A-C. GRCh37 (hg19) VCF-style: chr7-6038870-A-C.
Other names: c.169T>G, p.Cys57Gly (NM_001322003.2, NM_001322004.2, NM_001322005.2 and 2 more transcripts); c.574T>G, p.Cys192Gly (NM_001322006.2, NM_001322014.2); c.256T>G, p.Cys86Gly (NM_001322007.2, NM_001322008.2); c.265T>G, p.Cys89Gly (NM_001322015.2); c.133-1816T>G (NM_001322013.2); c.-347-13T>G (NM_001322012.2, NM_001322011.2); short protein forms C192G, C57G, C86G, C89G.
Identifiers: ClinVar variation 455729 (VCV000455729.14), dbSNP rs773752935, ClinGen allele CA050397.

ClinVar aggregate classification (germline): Uncertain significance. Review status: criteria provided, multiple submitters, no conflicts (2 of 4 stars). 3 submissions from 3 submitters: Uncertain significance (3). Last evaluated 2025-12-05.

Conditions:
Hereditary nonpolyposis colorectal neoplasms. Identifiers: MedGen C0009405, MeSH D003123.
Hereditary cancer-predisposing syndrome. Also called: Hereditary Cancer Syndrome; Hereditary neoplastic syndrome; Neoplastic Syndromes, Hereditary; Tumor predisposition. Identifiers: Orphanet 140162, MedGen C0027672, MeSH D009386, MONDO:0015356.

Allele frequency attached by ClinVar (database versions not stated): gnomAD exomes below 0.00001 and 0.00001; ExAC 0.00001; gnomAD 0.00001; TOPMed 0.00001.

Submissions (3):

Ambry Genetics
Classification: Uncertain significance for Hereditary cancer-predisposing syndrome. Last evaluated: 2025-12-05. Review status: criteria provided, single submitter. Criteria: Ambry Variant Classification Scheme 2023. Collection method: clinical testing. Allele origin: germline.
Comment: The p.C192G variant (also known as c.574T>G), located in coding exon 6 of the PMS2 gene, results from a T to G substitution at nucleotide position 574. The cysteine at codon 192 is replaced by glycine, an amino acid with highly dissimilar properties. This amino acid position is highly conserved in available vertebrate species. In addition, this alteration is predicted to be deleterious by in silico analysis. Based on the available evidence, the clinical significance of this variant remains unclear.

Labcorp Genetics (formerly Invitae), Labcorp
Classification: Uncertain significance for Hereditary nonpolyposis colorectal neoplasms. Last evaluated: 2025-10-28. Review status: criteria provided, single submitter. Criteria: Invitae Variant Classification Sherloc (09022015). Collection method: clinical testing. Allele origin: germline.
Comment: This sequence change replaces cysteine, which is neutral and slightly polar, with glycine, which is neutral and non-polar, at codon 192 of the PMS2 protein (p.Cys192Gly). This variant is present in population databases (rs773752935, gnomAD 0.007%). This variant has not been reported in the literature in individuals affected with PMS2-related conditions. ClinVar contains an entry for this variant (Variation ID: 455729). Invitae Evidence Modeling incorporating data from in vitro experimental studies (internal data) indicates that this missense variant is not expected to disrupt PMS2 function with a negative predictive value of 95%. In summary, the available evidence is currently insufficient to determine the role of this variant in disease. Therefore, it has been classified as a Variant of Uncertain Significance.

Color Diagnostics, LLC DBA Color Health
Classification: Uncertain significance for Hereditary cancer-predisposing syndrome. Last evaluated: 2020-07-21. Review status: criteria provided, single submitter. Criteria: ACMG Guidelines, 2015. Collection method: clinical testing. Allele origin: germline.
Comment: This missense variant replaces cysteine with glycine at codon 192 of the PMS2 protein. Computational prediction suggests that this variant may have deleterious impact on protein structure and function (internally defined REVEL score threshold >= 0.7, PMID: 27666373). To our knowledge, functional studies have not been reported for this variant. This variant has not been reported in individuals affected with hereditary cancer in the literature. This variant has been identified in 2/251490 chromosomes in the general population by the Genome Aggregation Database (gnomAD). The available evidence is insufficient to determine the role of this variant in disease conclusively. Therefore, this variant is classified as a Variant of Uncertain Significance.

Literature cited by the submitters: PubMed 32459922 (cited by Ambry Genetics).